The following is an entry in ClinVar:

NM_006258.4(PRKG1):c.904G>T (p.Gly302Ter)

Gene: PRKG1 (protein kinase cGMP-dependent 1; plus strand). Cytogenetic location: 10q21.1.
Variant type: single nucleotide variant.
Coding change: c.904G>T on transcript NM_006258.4 (MANE Select); coding-DNA position 904, G replaced by T.
Protein change: p.Gly302Ter; replaces glycine 302 with a stop codon.
Molecular consequence: nonsense. On other transcripts: 5 prime UTR variant (1).
Genome position (GRCh38, 1-based): chr10:52,062,600, G>T. VCF-style: chr10-52062600-G-T. GRCh37 (hg19) VCF-style: chr10-53822360-G-T.
Other names: c.859G>T, p.Gly287Ter (NM_001098512.3); c.-306G>T (NM_001374781.1); c.904G>T, p.Gly302Ter (NM_001374782.1); c.904G>T (NM_006258.3); short protein forms G287*, G302*.
Identifiers: ClinVar variation 3660681 (VCV003660681.3).

ClinVar aggregate classification (germline): Uncertain significance. Review status: criteria provided, multiple submitters, no conflicts (2 of 4 stars). 2 submissions from 2 submitters: Uncertain significance (2). Last evaluated 2025-06-02.

Conditions:
Aortic aneurysm, familial thoracic 8 (AAT8). Identifiers: MedGen C3809513, MONDO:0014187, OMIM 615436.

Submissions (2):

GeneDx
Classification: Uncertain significance. Last evaluated: 2025-06-02. Review status: criteria provided, single submitter. Criteria: GeneDx Variant Classification Process June 2021. Collection method: clinical testing. Allele origin: germline. Affected: yes.
Comment: Not observed at significant frequency in large population cohorts (gnomAD); Has not been previously published as pathogenic or benign to our knowledge; Nonsense variant predicted to result in protein truncation or nonsense mediated decay in a gene or region of a gene for which loss-of-function is not a known mechanism of disease

Labcorp Genetics (formerly Invitae), Labcorp
Classification: Uncertain significance for Aortic aneurysm, familial thoracic 8. Last evaluated: 2024-07-27. Review status: criteria provided, single submitter. Criteria: Invitae Variant Classification Sherloc (09022015). Collection method: clinical testing. Allele origin: germline.
Comment: This sequence change creates a premature translational stop signal (p.Gly302*) in the PRKG1 gene. It is expected to result in an absent or disrupted protein product. However, the current clinical and genetic evidence is not sufficient to establish whether loss-of-function variants in PRKG1 cause disease. This variant is not present in population databases (gnomAD no frequency). This variant has not been reported in the literature in individuals affected with PRKG1-related conditions. In summary, the available evidence is currently insufficient to determine the role of this variant in disease. Therefore, it has been classified as a Variant of Uncertain Significance.